The following is an entry in ClinVar:

ClinVar aggregate classification (germline): Uncertain significance. Review status: criteria provided, multiple submitters, no conflicts (2 of 4 stars). 2 submissions from 2 submitters: Uncertain significance (2). Last evaluated 2024-10-14.

Conditions:
Cardiovascular phenotype. Identifiers: MedGen CN230736.
Hypertrophic cardiomyopathy. Also called: HYPERTROPHIC MYOCARDIOPATHY. Identifiers: Orphanet 217569, MedGen C0007194, MeSH D002312, MONDO:0005045, HP:0001639.

Submissions (2):

Ambry Genetics
Classification: Uncertain significance for Cardiovascular phenotype. Last evaluated: 2024-10-14. Review status: criteria provided, single submitter. Criteria: Ambry Variant Classification Scheme 2023. Collection method: clinical testing. Allele origin: germline.
Comment: The p.R467G variant (also known as c.1399C>G), located in coding exon 4 of the JPH2 gene, results from a C to G substitution at nucleotide position 1399. The arginine at codon 467 is replaced by glycine, an amino acid with dissimilar properties. This amino acid position is conserved. In addition, this alteration is predicted to be tolerated by in silico analysis. Based on the available evidence, the clinical significance of this variant remains unclear.

Labcorp Genetics (formerly Invitae), Labcorp
Classification: Uncertain significance for Hypertrophic cardiomyopathy. Last evaluated: 2021-08-20. Review status: criteria provided, single submitter. Criteria: Invitae Variant Classification Sherloc (09022015). Collection method: clinical testing. Allele origin: germline.

NM_020433.5(JPH2):c.1399C>G (p.Arg467Gly)

Gene: JPH2 (junctophilin 2; minus strand). Cytogenetic location: 20q13.12.
Variant type: single nucleotide variant.
Coding change: c.1399C>G on transcript NM_020433.5 (MANE Select); coding-DNA position 1399, C replaced by G.
Protein change: p.Arg467Gly; replaces arginine 467 with glycine.
Molecular consequence: missense variant.
Genome position (GRCh38, 1-based): chr20:44,116,276, G>C on the plus strand (C>G on the coding strand, the complement: JPH2 is on the minus strand). VCF-style: chr20-44116276-G-C. GRCh37 (hg19) VCF-style: chr20-42744916-G-C.
Other names: short protein forms R467G.
Identifiers: ClinVar variation 569250 (VCV000569250.5), dbSNP rs984065543, ClinGen allele CA409100709.
Genomic context (GRCh38, chr20:44,116,276, plus strand): 5'-GTGACGGGGAGCCACCCTCGGGCCGAGGGGTCTCACGCTCGTGCAGCTGCGGGCTCTCGC[G>C]GGGCGGCTGTGGGAGGCCCGCTGCGCCGGCGCCCCGGTCGGGGGGCTCCAGCAGGCTCTC-3'
Protein context (NP_065166.2, residues 457-477): AGAAGLPQPP[Arg467Gly]ESPQLHERET